The following is an entry in ClinVar:

NM_001367624.2(ZNF469):c.9355G>C (p.Val3119Leu)

Gene: ZNF469 (zinc finger protein 469; plus strand). Cytogenetic location: 16q24.2.
Variant type: single nucleotide variant.
Coding change: c.9355G>C on transcript NM_001367624.2 (MANE Select); coding-DNA position 9355, G replaced by C.
Protein change: p.Val3119Leu; replaces valine 3119 with leucine.
Molecular consequence: missense variant.
Genome position (GRCh38, 1-based): chr16:88,436,825, G>C. VCF-style: chr16-88436825-G-C. GRCh37 (hg19) VCF-style: chr16-88503233-G-C.
Other names: NM_001127464.1:c.9271G>C; p.Val3119Leu; short protein forms V3119L.
Identifiers: ClinVar variation 2576716 (VCV002576716.2), dbSNP rs1434936567, ClinGen allele CA397121961.

ClinVar aggregate classification (germline): Uncertain significance. Review status: criteria provided, multiple submitters, no conflicts (2 of 4 stars). 2 submissions from 2 submitters: Uncertain significance (2). Last evaluated 2025-10-02.

Allele frequency attached by ClinVar (database versions not stated): gnomAD exomes 0.00004; gnomAD 0.00001; TOPMed 0.00001.
gnomAD v4.1: 57 of 1,538,426 alleles (0.0037%); highest among the groups gnomAD compares: Non-Finnish European, 0.0047%; no homozygotes.

Submissions (2):

Mayo Clinic Laboratories, Mayo Clinic
Classification: Uncertain significance. Last evaluated: 2025-10-02. Review status: criteria provided, single submitter. Criteria: ACMG Guidelines, 2015. Collection method: clinical testing. Allele origin: germline. Observed: 1 variant allele.
Comment: BP4, PM2_supporting

GeneDx
Classification: Uncertain significance. Last evaluated: 2023-02-21. Review status: criteria provided, single submitter. Criteria: GeneDx Variant Classification Process June 2021. Collection method: clinical testing. Allele origin: germline. Affected: yes.
Comment: Not observed at significant frequency in large population cohorts (gnomAD); In silico analysis supports that this missense variant does not alter protein structure/function; Has not been previously published as pathogenic or benign to our knowledge